The following is an entry in ClinVar:

ClinVar aggregate classification (germline): Likely benign (1 of 4 stars; one submission).

gnomAD v4.1: 9 of 1,608,414 alleles (0.00056%); highest among the groups gnomAD compares: Admixed American, 0.0067%; no homozygotes.

Submission:

CeGaT Center for Human Genetics Tuebingen
Classification: Likely benign. Last evaluated: 2024-07-01. Review status: criteria provided, single submitter. Criteria: CeGaT Center For Human Genetics Tuebingen Variant Classification Criteria Version 2. Collection method: clinical testing. Allele origin: germline. Affected: yes. Observed: 1 variant allele.
Comment: ADAMTS13: BP4, BP7

NM_139027.6(ADAMTS13):c.3183C>T (p.Pro1061=)

Gene: ADAMTS13 (ADAM metallopeptidase with thrombospondin type 1 motif 13; plus strand). Cytogenetic location: 9q34.2.
Variant type: single nucleotide variant.
Coding change: c.3183C>T on transcript NM_139027.6 (MANE Select); coding-DNA position 3183, C replaced by T.
Protein change: p.Pro1061=; no amino-acid change (proline 1061 retained).
Molecular consequence: synonymous variant. On other transcripts: non-coding transcript variant (1).
Genome position (GRCh38, 1-based): chr9:133,454,553, C>T. VCF-style: chr9-133454553-C-T. GRCh37 (hg19) VCF-style: chr9-136319675-C-T.
Other names: c.3183C>T, p.Pro1061= (NM_139025.5); c.3090C>T, p.Pro1030= (NM_139026.6).
Identifiers: ClinVar variation 3257555 (VCV003257555.17).